The following is an entry in ClinVar:

NM_005732.4(RAD50):c.1267A>G (p.Thr423Ala)

Gene: RAD50 (RAD50 double strand break repair protein; plus strand). Cytogenetic location: 5q31.1.
Variant type: single nucleotide variant.
Coding change: c.1267A>G on transcript NM_005732.4 (MANE Select); coding-DNA position 1267, A replaced by G.
Protein change: p.Thr423Ala; replaces threonine 423 with alanine.
Molecular consequence: missense variant.
Genome position (GRCh38, 1-based): chr5:132,589,652, A>G. VCF-style: chr5-132589652-A-G. GRCh37 (hg19) VCF-style: chr5-131925344-A-G.
Other names: short protein forms T423A.
Identifiers: ClinVar variation 3312318 (VCV003312318.1).

ClinVar aggregate classification (germline): Uncertain significance (1 of 4 stars; one submission).

Conditions:
Hereditary cancer-predisposing syndrome. Also called: Neoplastic Syndromes, Hereditary; Tumor predisposition; Hereditary neoplastic syndrome; Hereditary Cancer Syndrome. Identifiers: Orphanet 140162, MedGen C0027672, MeSH D009386, MONDO:0015356.

Submission:

Ambry Genetics
Classification: Uncertain significance for Hereditary cancer-predisposing syndrome. Last evaluated: 2024-04-27. Review status: criteria provided, single submitter. Criteria: Ambry Variant Classification Scheme 2023. Collection method: clinical testing. Allele origin: germline.
Comment: The p.T423A variant (also known as c.1267A>G), located in coding exon 9 of the RAD50 gene, results from an A to G substitution at nucleotide position 1267. The threonine at codon 423 is replaced by alanine, an amino acid with similar properties. This amino acid position is conserved. In addition, this alteration is predicted to be tolerated by in silico analysis. Based on the available evidence, the clinical significance of this variant remains unclear.